The following is an entry in ClinVar:

NM_152564.5(VPS13B):c.3054C>A (p.Ser1018Arg)

Gene: VPS13B (vacuolar protein sorting 13 homolog B; plus strand). Cytogenetic location: 8q22.2.
Variant type: single nucleotide variant.
Coding change: c.3054C>A on transcript NM_152564.5 (MANE Select); coding-DNA position 3054, C replaced by A.
Protein change: p.Ser1018Arg; replaces serine 1018 with arginine.
Molecular consequence: missense variant.
Genome position (GRCh38, 1-based): chr8:99,391,676, C>A. VCF-style: chr8-99391676-C-A. GRCh37 (hg19) VCF-style: chr8-100403904-C-A.
Other names: c.3054C>A, p.Ser1018Arg (NM_017890.5); short protein forms S1018R.
Identifiers: ClinVar variation 3344786 (VCV003344786.1).

ClinVar aggregate classification (germline): Uncertain significance (0 of 4 stars; one submission).

Conditions:
VPS13B-related disorder. Also called: VPS13B-related condition.

gnomAD v4.1: 1 of 1,614,044 alleles (0.000062%); highest among the groups gnomAD compares: Non-Finnish European, 0.000085%; no homozygotes.

Submission:

PreventionGenetics, part of Exact Sciences
Classification: Uncertain significance for VPS13B-related condition. Last evaluated: 2024-09-22. Review status: no assertion criteria provided. Collection method: clinical testing. Allele origin: germline.
Comment: The VPS13B c.3054C>A variant is predicted to result in the amino acid substitution p.Ser1018Arg. To our knowledge, this variant has not been reported in the literature or in a large population database, indicating this variant is rare. At this time, the clinical significance of this variant is uncertain due to the absence of conclusive functional and genetic evidence.